The following is an entry in ClinVar:

NM_001041.4(SI):c.2828G>C (p.Cys943Ser)

Gene: SI (sucrase-isomaltase; minus strand). Cytogenetic location: 3q26.1.
Variant type: single nucleotide variant.
Coding change: c.2828G>C on transcript NM_001041.4 (MANE Select); coding-DNA position 2828, G replaced by C.
Protein change: p.Cys943Ser; replaces cysteine 943 with serine.
Molecular consequence: missense variant.
Genome position (GRCh38, 1-based): chr3:165,030,776, C>G on the plus strand (G>C on the coding strand, the complement: SI is on the minus strand). VCF-style: chr3-165030776-C-G. GRCh37 (hg19) VCF-style: chr3-164748564-C-G.
Other names: short protein forms C943S.
Identifiers: ClinVar variation 1345400 (VCV001345400.10), dbSNP rs375113759, ClinGen allele CA2690489.
Genomic context (GRCh38, chr3:165,030,776, plus strand): 5'-CTCCATACACAGCCACGTTGTGTGCACTTTTGTTCAGTTGCCAAATCTGCATCTGGATAA[C>G]AATTAAATCTTTCATTTTCTGAGAAAATTTGATTCCATTGAACACTAAAGTTTCTTCCAA-3'
Protein context (NP_001032.2, residues 933-953): QIFSENERFN[Cys943Ser]YPDADLATEQ

ClinVar aggregate classification (germline): Likely pathogenic. Review status: criteria provided, multiple submitters, no conflicts (2 of 4 stars). 2 submissions from 2 submitters: Likely pathogenic (2). Last evaluated 2025-10-19.

Conditions:
Sucrase-isomaltase deficiency (CSID). Also called: SI DEFICIENCY; Deficiency of isomaltase; Congenital sucrose isomaltose malabsorption; Sucrose isomaltose enzyme deficiency. Identifiers: Orphanet 35122, MedGen C1283620, MONDO:0009114, OMIM 222900.

Allele frequency attached by ClinVar (database versions not stated): ExAC 0.00004; gnomAD exomes 0.00004; ESP Exome Variant Server 0.00015; TOPMed 0.00015; gnomAD 0.00018 and 0.00020.
gnomAD v4.1: 41 of 1,594,198 alleles (0.0026%); highest among the groups gnomAD compares: African/African-American, 0.056%; no homozygotes.

Submissions (2):

Labcorp Genetics (formerly Invitae), Labcorp
Classification: Likely pathogenic. Last evaluated: 2025-10-19. Review status: criteria provided, single submitter. Criteria: Invitae Variant Classification Sherloc (09022015). Collection method: clinical testing. Allele origin: germline.
Comment: This sequence change replaces cysteine, which is neutral and slightly polar, with serine, which is neutral and polar, at codon 943 of the SI protein (p.Cys943Ser). This variant is present in population databases (rs375113759, gnomAD 0.06%). This missense change has been observed in individual(s) with autosomal recessive congenital sucrase-isomaltase deficiency (internal data). ClinVar contains an entry for this variant (Variation ID: 1345400). Invitae Evidence Modeling of protein sequence and biophysical properties (such as structural, functional, and spatial information, amino acid conservation, physicochemical variation, residue mobility, and thermodynamic stability) indicates that this missense variant is expected to disrupt SI protein function with a positive predictive value of 95%. In summary, the currently available evidence indicates that the variant is pathogenic, but additional data are needed to prove that conclusively. Therefore, this variant has been classified as Likely Pathogenic.

Fulgent Genetics
Classification: Likely pathogenic for Sucrase-isomaltase deficiency. Last evaluated: 2024-02-05. Review status: criteria provided, single submitter. Criteria: ACMG Guidelines, 2015. Collection method: clinical testing. Allele origin: germline.